The following is an entry in ClinVar:

NM_000135.4(FANCA):c.3156C>A (p.Phe1052Leu)

Gene: FANCA (FA complementation group A; minus strand). Cytogenetic location: 16q24.3.
Variant type: single nucleotide variant.
Coding change: c.3156C>A on transcript NM_000135.4 (MANE Select); coding-DNA position 3156, C replaced by A.
Protein change: p.Phe1052Leu; replaces phenylalanine 1052 with leucine.
Molecular consequence: missense variant.
Genome position (GRCh38, 1-based): chr16:89,749,813, G>T on the plus strand (C>A on the coding strand, the complement: FANCA is on the minus strand). VCF-style: chr16-89749813-G-T. GRCh37 (hg19) VCF-style: chr16-89816221-G-T.
Other names: c.3156C>A, p.Phe1052Leu (NM_001286167.3); short protein forms F1052L.
Identifiers: ClinVar variation 5036441 (VCV005036441.1).

ClinVar aggregate classification (germline): Uncertain significance (1 of 4 stars; one submission).

Conditions:
Inborn genetic diseases. Identifiers: MedGen C0950123, MeSH D030342.

Submission:

Ambry Genetics
Classification: Uncertain significance for Inborn genetic diseases. Last evaluated: 2026-09-02. Review status: criteria provided, single submitter. Criteria: Ambry Variant Classification Scheme 2023. Collection method: clinical testing. Allele origin: germline.
Comment: The p.F1052L variant (also known as c.3156C>A), located in coding exon 32 of the FANCA gene, results from a C to A substitution at nucleotide position 3156. The phenylalanine at codon 1052 is replaced by leucine, an amino acid with highly similar properties. This amino acid position is conserved. In addition, this alteration is predicted to be tolerated by in silico analysis. Based on the available evidence, the clinical significance of this variant remains unclear.